The following is an entry in ClinVar:

NM_001378477.3(NYX):c.862G>A (p.Val288Met)

Gene: NYX (nyctalopin; plus strand). Cytogenetic location: Xp11.4.
Variant type: single nucleotide variant.
Coding change: c.862G>A on transcript NM_001378477.3 (MANE Select); coding-DNA position 862, G replaced by A.
Protein change: p.Val288Met; replaces valine 288 with methionine.
Molecular consequence: missense variant.
Genome position (GRCh38, 1-based): chrX:41,474,330, G>A. VCF-style: chrX-41474330-G-A. GRCh37 (hg19) VCF-style: chrX-41333583-G-A.
Other names: c.862G>A, p.Val288Met (NM_022567.3); short protein forms V288M.
Identifiers: ClinVar variation 1956610 (VCV001956610.5), dbSNP rs372496317, ClinGen allele CA412991479.

ClinVar aggregate classification (germline): Uncertain significance (1 of 4 stars; one submission).

Submission:

Labcorp Genetics (formerly Invitae), Labcorp
Classification: Uncertain significance. Last evaluated: 2022-07-12. Review status: criteria provided, single submitter. Criteria: Invitae Variant Classification Sherloc (09022015). Collection method: clinical testing. Allele origin: germline.
Comment: In summary, the available evidence is currently insufficient to determine the role of this variant in disease. Therefore, it has been classified as a Variant of Uncertain Significance. Algorithms developed to predict the effect of missense changes on protein structure and function are either unavailable or do not agree on the potential impact of this missense change (SIFT: "Deleterious"; PolyPhen-2: "Possibly Damaging"; Align-GVGD: "Class C0"). This variant has not been reported in the literature in individuals affected with NYX-related conditions. This variant is not present in population databases (gnomAD no frequency). This sequence change replaces valine, which is neutral and non-polar, with methionine, which is neutral and non-polar, at codon 293 of the NYX protein (p.Val293Met).